The following is an entry in ClinVar:

ClinVar aggregate classification (germline): Benign/Likely benign. Review status: criteria provided, multiple submitters, no conflicts (2 of 4 stars). 9 submissions from 9 submitters: Benign (3); Likely benign (5). 1 of the submissions does not count toward it. Last evaluated 2025-08-18.

Conditions:
TGM6-related disorder. Also called: TGM6-related condition.
Spinocerebellar ataxia type 35. Identifiers: Orphanet 276193, MedGen C3888031, MONDO:0013485, OMIM 613908.

Allele frequency attached by ClinVar (database versions not stated): gnomAD exomes 0.00049 and 0.00122; ExAC 0.00188; gnomAD 0.00438 and 0.00475; 1000 Genomes Project 0.00479; 1000 Genomes Project 30x 0.00484; TOPMed 0.00549; ESP Exome Variant Server 0.00569.

Submissions (9):

Genomic Medicine Center of Excellence, King Faisal Specialist Hospital and Research Centre
Classification: Likely benign. Last evaluated: 2025-08-18. Review status: criteria provided, single submitter. Criteria: ACMG Guidelines, 2015. Collection method: clinical testing. Allele origin: germline.

Mayo Clinic Laboratories, Mayo Clinic
Classification: Benign. Last evaluated: 2025-02-25. Review status: criteria provided, single submitter. Criteria: ACMG Guidelines, 2015. Collection method: clinical testing. Allele origin: germline. Observed: 2 variant alleles.
Comment: BS1, BS2

Athena Diagnostics
Classification: Benign. Last evaluated: 2024-12-23. Review status: criteria provided, single submitter. Criteria: Athena Diagnostics Criteria. Collection method: clinical testing. Allele origin: unknown.
Comment: The frequency of this variant in the general population is higher than would generally be expected for pathogenic variants in this gene.

Blueprint Genetics
Classification: Likely benign. Last evaluated: 2024-11-26. Review status: criteria provided, single submitter. Criteria: ACMG Guidelines, 2015. Collection method: clinical testing. Allele origin: germline.

CeGaT Center for Human Genetics Tuebingen
Classification: Benign. Last evaluated: 2022-06-01. Review status: criteria provided, single submitter. Criteria: CeGaT Center For Human Genetics Tuebingen Variant Classification Criteria Version 2. Collection method: clinical testing. Allele origin: germline. Affected: yes. Observed: 1 variant allele.
Comment: TGM6: BS1, BS2

GeneDx
Classification: Likely benign. Last evaluated: 2022-01-19. Review status: criteria provided, single submitter. Criteria: GeneDx Variant Classification Process June 2021. Collection method: clinical testing. Allele origin: germline. Affected: yes.
Comment: See Variant Classification Assertion Criteria.

Illumina Laboratory Services, Illumina
Classification: Likely benign for Spinocerebellar ataxia type 35. Last evaluated: 2017-04-27. Review status: criteria provided, single submitter. Criteria: ICSL Variant Classification Criteria 13 December 2019. Collection method: clinical testing. Allele origin: germline.
Comment: This variant was observed as part of a predisposition screen in an ostensibly healthy population. A literature search was performed for the gene, cDNA change, and amino acid change (where applicable). No publications were found based on this search. Allele frequency data from public databases allowed determination this variant is unlikely to cause disease. Therefore, this variant is classified as likely benign.

Breakthrough Genomics
Classification: Likely benign. Review status: criteria provided, single submitter. Criteria: ACMG Guidelines, 2015. Collection method: not provided. Allele origin: germline. Inheritance: Autosomal dominant inheritance. Affected: yes.

PreventionGenetics, part of Exact Sciences
Classification: Benign for TGM6-related condition. Last evaluated: 2024-05-23. Review status: no assertion criteria provided. Collection method: clinical testing. Allele origin: germline. Not counted in ClinVar's aggregate classification.
Comment: This variant is classified as benign based on ACMG/AMP sequence variant interpretation guidelines (Richards et al. 2015 PMID: 25741868, with internal and published modifications).

Literature cited by the submitters: PubMed 38255008 (cited by Athena Diagnostics).

NM_198994.3(TGM6):c.-2A>G

Gene: TGM6 (transglutaminase 6; plus strand). Cytogenetic location: 20p13.
Variant type: single nucleotide variant.
Coding change: c.-2A>G on transcript NM_198994.3 (MANE Select); 2 bases upstream of the start codon, A replaced by G.
Molecular consequence: 5 prime UTR variant.
Genome position (GRCh38, 1-based): chr20:2,380,967, A>G. VCF-style: chr20-2380967-A-G. GRCh37 (hg19) VCF-style: chr20-2361613-A-G.
Other names: c.-2A>G (NM_001254734.2).
Identifiers: ClinVar variation 337900 (VCV000337900.42), dbSNP rs80329336, ClinGen allele CA9731486.